The following continues an entry in ClinVar:

NM_006231.4(POLE):c.861T>A (p.Asp287Glu)

Gene: POLE. ClinVar aggregate classification (germline): Conflicting classifications of pathogenicity. Uncertain significance (3); Benign (4); Likely benign (9).

Submissions 16 to 20 of 20:

CSER _CC_NCGL, University of Washington
Classification: Uncertain significance for Colorectal cancer. Last evaluated: 2016-10-01. Review status: criteria provided, single submitter. Criteria: Amendola et al. (Genome Res. 2015). Collection method: research. Allele origin: germline. Affected: yes. Study: CSER - NEXT Medicine variant annotation.
Comment: This interpretation considers GERP score and allele frequency data, in addition to published reports of the variant in the literature, available at the time of review.

PreventionGenetics, part of Exact Sciences
Classification: Likely benign for POLE-related condition. Last evaluated: 2024-08-02. Review status: no assertion criteria provided. Collection method: clinical testing. Allele origin: germline. Not counted in ClinVar's aggregate classification.
Comment: This variant is classified as likely benign based on ACMG/AMP sequence variant interpretation guidelines (Richards et al. 2015 PMID: 25741868, with internal and published modifications).

True Health Diagnostics
Classification: Uncertain significance for Hereditary cancer-predisposing syndrome. Last evaluated: 2018-02-01. Review status: no assertion criteria provided. Collection method: clinical testing. Allele origin: germline. Not counted in ClinVar's aggregate classification.

Counsyl
Classification: Uncertain significance for Colorectal cancer, susceptibility to, 12. Last evaluated: 2016-07-05. Review status: no assertion criteria provided. Collection method: clinical testing. Allele origin: unknown. Not counted in ClinVar's aggregate classification.

Knight Diagnostic Laboratories, Oregon Health and Sciences University
Classification: Uncertain significance for Colorectal cancer, susceptibility to, 12. Last evaluated: 2015-08-13. Review status: no assertion criteria provided. Criteria: ACMG Guidelines, 2015. Collection method: clinical testing. Allele origin: germline. Affected: no. Study: CSER-NextGen. Not counted in ClinVar's aggregate classification.

Literature cited by the submitters: PubMed 30414346 (cited by 5 submitters); PubMed 26648449 (cited by 6 submitters); PubMed 29120461 (cited by 3 submitters); PubMed 29454559 (cited by Center for Genomic Medicine, Rigshospitalet, Copenhagen University Hospital); PubMed 32792570 (cited by Center for Genomic Medicine, Rigshospitalet, Copenhagen University Hospital and Quest Diagnostics Nichols Institute San Juan Capistrano); PubMed 31857678 (cited by Center for Genomic Medicine, Rigshospitalet, Copenhagen University Hospital); PubMed 30374176 (cited by 3 submitters); PubMed 25224212 (cited by 4 submitters); PubMed 26251183 (cited by 5 submitters); PubMed 28873162 (cited by Quest Diagnostics Nichols Institute San Juan Capistrano); PubMed 27153395 (cited by Quest Diagnostics Nichols Institute San Juan Capistrano and Ambry Genetics).